The following is an entry in ClinVar:

ClinVar aggregate classification (germline): Uncertain significance (1 of 4 stars; one submission).

Allele frequency attached by ClinVar (database versions not stated): TOPMed 0.00001; gnomAD exomes 0.00001; gnomAD 0.00001; ExAC 0.00001.

Submission:

Labcorp Genetics (formerly Invitae), Labcorp
Classification: Uncertain significance. Last evaluated: 2025-09-23. Review status: criteria provided, single submitter. Criteria: Invitae Variant Classification Sherloc (09022015). Collection method: clinical testing. Allele origin: germline.
Comment: This sequence change falls in intron 14 of the MICAL1 gene. It does not directly change the encoded amino acid sequence of the MICAL1 protein. This variant is present in population databases (rs778309562, gnomAD 0.0009%). This variant has not been reported in the literature in individuals affected with MICAL1-related conditions. ClinVar contains an entry for this variant (Variation ID: 2920316). Algorithms developed to predict the effect of sequence changes on RNA splicing suggest that this variant may disrupt the consensus splice site. In summary, the available evidence is currently insufficient to determine the role of this variant in disease. Therefore, it has been classified as a Variant of Uncertain Significance.

NM_022765.4(MICAL1):c.1945-6T>C

Gene: MICAL1 (microtubule associated monooxygenase, calponin and LIM domain containing 1; minus strand). Cytogenetic location: 6q21.
Variant type: single nucleotide variant.
Coding change: c.1945-6T>C on transcript NM_022765.4 (MANE Select); 6 bases into the intron before coding-DNA position 1945, T replaced by C.
Molecular consequence: intron variant.
Genome position (GRCh38, 1-based): chr6:109,447,728, A>G on the plus strand (T>C on the coding strand, the complement: MICAL1 is on the minus strand). VCF-style: chr6-109447728-A-G. GRCh37 (hg19) VCF-style: chr6-109768931-A-G.
Other names: c.2002-6T>C (NM_001286613.2); c.1687-6T>C (NM_001159291.2).
Identifiers: ClinVar variation 2920316 (VCV002920316.3), dbSNP rs778309562, ClinGen allele CA3953146.
Genomic context (GRCh38, chr6:109,447,728, plus strand): 5'-TGCCTGCATTCACCTCCAAGCGCAGCTTCTTGCCACCAGCATCCTCTGCATTTTCCTGCA[A>G]TAAGTCCTAACAGCTCTAAGTGTGATGTTTTGAGGTCCCAGTCCTCCCCACTTTCTGAAT-3'